The following is an entry in ClinVar:

ClinVar aggregate classification (germline): Uncertain significance (1 of 4 stars; one submission).

Submission:

Women's Health and Genetics/Laboratory Corporation of America, LabCorp
Classification: Uncertain significance. Last evaluated: 2026-04-24. Review status: criteria provided, single submitter. Criteria: LabCorp Variant Classification Summary - May 2015. Collection method: clinical testing. Allele origin: germline.
Comment: Variant summary: HBB c.103G>C (p.Val35Leu) results in a conservative amino acid change in the encoded protein sequence. Algorithms developed to predict the effect of missense changes on protein structure and function are either unavailable or do not agree on the potential impact of this missense change. The variant was absent in 251348 control chromosomes. The available data on variant occurrences in the general population are insufficient to allow any conclusion about variant significance. c.103G>C has been observed in individual(s) affected with Erythrocytosis (Oliveira_2018, Wajcman_2003). These data do not allow any conclusion about variant significance. To our knowledge, no experimental evidence demonstrating an impact on protein function has been reported. The following publications have been ascertained in the context of this evaluation (PMID: 29790589, 12908805). No submitters have cited clinical-significance assessments for this variant to ClinVar. Based on the evidence outlined above, the variant was classified as uncertain significance.

Literature cited by the submitters: PubMed 12908805; PubMed 29790589.

NM_000518.5(HBB):c.103G>C (p.Val35Leu)

Genes: HBB (hemoglobin subunit beta; minus strand), LOC106099062 (HBB recombination region; plus strand), LOC107133510 (origin of replication at HBB; plus strand). Cytogenetic location: 11p15.4.
Variant type: single nucleotide variant.
Coding change: c.103G>C on transcript NM_000518.5 (MANE Select); coding-DNA position 103, G replaced by C.
Protein change: p.Val35Leu; replaces valine 35 with leucine.
Molecular consequence: missense variant.
Genome position (GRCh38, 1-based): chr11:5,226,789, C>G on the plus strand (G>C on the coding strand, the complement: HBB is on the minus strand). VCF-style: chr11-5226789-C-G. GRCh37 (hg19) VCF-style: chr11-5248019-C-G.
Other names: short protein forms V35L.
Identifiers: ClinVar variation 4849097 (VCV004849097.1).